The following is an entry in ClinVar:

NM_000138.5(FBN1):c.1348A>G (p.Thr450Ala)

Gene: FBN1 (fibrillin 1; minus strand). Cytogenetic location: 15q21.1.
Variant type: single nucleotide variant.
Coding change: c.1348A>G on transcript NM_000138.5 (MANE Select); coding-DNA position 1348, A replaced by G.
Protein change: p.Thr450Ala; replaces threonine 450 with alanine.
Molecular consequence: missense variant.
Genome position (GRCh38, 1-based): chr15:48,515,507, T>C on the plus strand (A>G on the coding strand, the complement: FBN1 is on the minus strand). VCF-style: chr15-48515507-T-C. GRCh37 (hg19) VCF-style: chr15-48807704-T-C.
Other names: short protein forms T450A.
Identifiers: ClinVar variation 633213 (VCV000633213.2), dbSNP rs1566916727, ClinGen allele CA392344053.

ClinVar aggregate classification (germline): Uncertain significance. Review status: criteria provided, multiple submitters, no conflicts (2 of 4 stars). 2 submissions from 2 submitters: Uncertain significance (2). Last evaluated 2023-05-19.

Conditions:
FBN1-related disorder. Also called: FBN1-related disorders.

Allele frequency attached by ClinVar (database versions not stated): gnomAD exomes below 0.00001.
gnomAD v4.1: 6 of 1,614,026 alleles (0.00037%); highest among the groups gnomAD compares: Non-Finnish European, 0.00051%; no homozygotes.

Submissions (2):

PreventionGenetics, part of Exact Sciences
Classification: Uncertain significance for FBN1-related condition. Last evaluated: 2023-05-19. Review status: criteria provided, single submitter. Criteria: ACMG Guidelines, 2015. Collection method: clinical testing. Allele origin: germline.
Comment: The FBN1 c.1348A>G variant is predicted to result in the amino acid substitution p.Thr450Ala. To our knowledge, this variant has not been reported in the literature or in a large population database, indicating this variant is rare. At this time, the clinical significance of this variant is uncertain due to the absence of conclusive functional and genetic evidence.

Women's Health and Genetics/Laboratory Corporation of America, LabCorp
Classification: Uncertain significance. Last evaluated: 2018-05-29. Review status: criteria provided, single submitter. Criteria: LabCorp Variant Classification Summary - May 2015. Collection method: clinical testing. Allele origin: germline.
Comment: Variant summary: FBN1 c.1348A>G (p.Thr450Ala) results in a non-conservative amino acid change in the encoded protein sequence. Three of five in-silico tools predict a benign effect of the variant on protein function. The variant was absent in 276792 control chromosomes (gnomAD). The available data on variant occurrences in the general population are insufficient to allow any conclusion about variant significance. To our knowledge, no occurrence of c.1348A>G in individuals affected with Marfan Syndrome and no experimental evidence demonstrating its impact on protein function have been reported. No clinical diagnostic laboratories have submitted clinical-significance assessments for this variant to ClinVar after 2014. Based on the evidence outlined above, the variant was classified as uncertain significance.